The following is an entry in ClinVar:

ClinVar aggregate classification (germline): Pathogenic. Review status: criteria provided, multiple submitters, no conflicts (2 of 4 stars). 3 submissions from 3 submitters: Pathogenic (3). Last evaluated 2025-11-10.

Conditions:
Hereditary cancer-predisposing syndrome. Also called: Hereditary neoplastic syndrome; Tumor predisposition; Hereditary Cancer Syndrome; Neoplastic Syndromes, Hereditary. Identifiers: Orphanet 140162, MedGen C0027672, MeSH D009386, MONDO:0015356.
Familial cancer of breast. Also called: BREAST CANCER, FAMILIAL; hereditary breast carcinoma; Hereditary breast cancer. Identifiers: Orphanet 227535, MedGen C0346153, MONDO:0016419, OMIM 114480. Disease mechanism: loss of function.

Submissions (3):

Labcorp Genetics (formerly Invitae), Labcorp
Classification: Pathogenic for Familial cancer of breast. Last evaluated: 2025-11-10. Review status: criteria provided, single submitter. Criteria: Invitae Variant Classification Sherloc (09022015). Collection method: clinical testing. Allele origin: germline.
Comment: This sequence change creates a premature translational stop signal (p.Ser247Ilefs*11) in the BARD1 gene. It is expected to result in an absent or disrupted protein product. Loss-of-function variants in BARD1 are known to be pathogenic (PMID: 20077502, 21344236). This variant is not present in population databases (gnomAD no frequency). This variant has not been reported in the literature in individuals affected with BARD1-related conditions. ClinVar contains an entry for this variant (Variation ID: 2583770). For these reasons, this variant has been classified as Pathogenic.

Ambry Genetics
Classification: Pathogenic for Hereditary cancer-predisposing syndrome. Last evaluated: 2024-09-26. Review status: criteria provided, single submitter. Criteria: Ambry Variant Classification Scheme 2023. Collection method: clinical testing. Allele origin: germline.
Comment: The c.737dupC pathogenic mutation, located in coding exon 4 of the BARD1 gene, results from a duplication of C at nucleotide position 737, causing a translational frameshift with a predicted alternate stop codon (p.S247Ifs*11). This variant is considered to be rare based on population cohorts in the Genome Aggregation Database (gnomAD). This alteration is expected to result in loss of function by premature protein truncation or nonsense-mediated mRNA decay. As such, this alteration is interpreted as a disease-causing mutation.

Myriad Genetics, Inc.
Classification: Pathogenic for Familial cancer of breast. Last evaluated: 2023-05-19. Review status: criteria provided, single submitter. Criteria: Myriad Autosomal Dominant, Autosomal Recessive and X-Linked Classification Criteria (2023). Collection method: clinical testing. Allele origin: unknown.
Comment: This variant is considered pathogenic. This variant creates a frameshift predicted to result in premature protein truncation.

Literature cited by the submitters: PubMed 20077502 (cited by Labcorp Genetics (formerly Invitae), Labcorp); PubMed 21344236 (cited by Labcorp Genetics (formerly Invitae), Labcorp).

NM_000465.4(BARD1):c.737dup (p.Ser247fs)

Gene: BARD1 (BRCA1 associated RING domain 1; minus strand). Cytogenetic location: 2q35.
Variant type: Duplication.
Coding change: c.737dup on transcript NM_000465.4 (MANE Select); coding-DNA position 737, one base duplicated (C; older notation c.737dupC).
Protein change: p.Ser247fs; shifts the reading frame from serine 247.
Molecular consequence: frameshift variant. On other transcripts: non-coding transcript variant (2), intron variant (3).
Genome position (GRCh38, 1-based): chr2:214,781,137, G duplicated on the plus strand (C on the coding strand, the reverse complement: BARD1 is on the minus strand); the first of 2 consecutive G bases (chr2:214,781,137-214,781,138); duplicating either gives the same sequence. VCF-style (leftmost placement, unchanged base first): chr2-214781136-T-TG. GRCh37 (hg19) VCF-style: chr2-215645860-T-TG.
Other names: c.680dup, p.Ser228fs (NM_001282543.2); c.158+28275dup (NM_001282548.2); c.215+15924dup (NM_001282545.2); c.364+11160dup (NM_001282549.2); c.737dupC (NM_000465.2); short protein forms S228fs, S247fs.
Identifiers: ClinVar variation 2583770 (VCV002583770.6), dbSNP rs2469509100, ClinGen allele CA2582342091.